The following is an entry in ClinVar:

NM_001042492.3(NF1):c.5619C>T (p.Ala1873=)

Gene: NF1 (neurofibromin 1; plus strand). Cytogenetic location: 17q11.2.
Variant type: single nucleotide variant.
Coding change: c.5619C>T on transcript NM_001042492.3 (MANE Select); coding-DNA position 5619, C replaced by T.
Protein change: p.Ala1873=; no amino-acid change (alanine 1873 retained).
Molecular consequence: synonymous variant.
Genome position (GRCh38, 1-based): chr17:31,330,305, C>T. VCF-style: chr17-31330305-C-T. GRCh37 (hg19) VCF-style: chr17-29657323-C-T.
Other names: c.5556C>T, p.Ala1852= (NM_000267.4).
Identifiers: ClinVar variation 1748263 (VCV001748263.3), dbSNP rs786203335, ClinGen allele CA499233364.

ClinVar aggregate classification (germline): Benign/Likely benign. Review status: criteria provided, multiple submitters, no conflicts (2 of 4 stars). 2 submissions from 2 submitters: Benign (1); Likely benign (1). Last evaluated 2026-05-20.

Conditions:
Neurofibromatosis, type 1 (NF1). Also called: Neurofibromatosis, type I; NEUROFIBROMATOSIS, TYPE I, SOMATIC; Peripheral type neurofibromatosis; VON RECKLINGHAUSEN DISEASE. Identifiers: Orphanet 636, MedGen C0027831, MONDO:0018975, OMIM 162200. Disease mechanism: loss of function.
Hereditary cancer-predisposing syndrome. Also called: Neoplastic Syndromes, Hereditary; Tumor predisposition; Hereditary neoplastic syndrome; Hereditary Cancer Syndrome. Identifiers: Orphanet 140162, MedGen C0027672, MeSH D009386, MONDO:0015356.
Cardiovascular phenotype. Identifiers: MedGen CN230736.

Submissions (2):

Myriad Genetics, Inc.
Classification: Benign for Neurofibromatosis, type 1. Last evaluated: 2026-05-20. Review status: criteria provided, single submitter. Criteria: Myriad Autosomal Dominant, Autosomal Recessive and X-Linked Classification Criteria (2023). Collection method: clinical testing. Allele origin: unknown.
Comment: This variant is considered benign. This variant is a silent/synonymous amino acid change and it is not expected to impact splicing.

Ambry Genetics
Classification: Likely benign for Cardiovascular phenotype; Hereditary cancer-predisposing syndrome. Last evaluated: 2020-11-22. Review status: criteria provided, single submitter. Criteria: Ambry Variant Classification Scheme 2023. Collection method: clinical testing. Allele origin: germline.